The following is an entry in ClinVar:

NM_001354604.2(MITF):c.626G>A (p.Cys209Tyr)

Gene: MITF (melanocyte inducing transcription factor; plus strand). Cytogenetic location: 3p13.
Variant type: single nucleotide variant.
Coding change: c.626G>A on transcript NM_001354604.2 (MANE Select); coding-DNA position 626, G replaced by A.
Protein change: p.Cys209Tyr; replaces cysteine 209 with tyrosine.
Molecular consequence: missense variant.
Genome position (GRCh38, 1-based): chr3:69,939,141, G>A. VCF-style: chr3-69939141-G-A. GRCh37 (hg19) VCF-style: chr3-69988292-G-A.
Other names: c.470G>A, p.Cys157Tyr (NM_001354608.2, NM_001184967.2); c.623G>A, p.Cys208Tyr (NM_006722.3, NM_001354605.2, NM_001354606.2); c.305G>A, p.Cys102Tyr (NM_198158.3, NM_000248.4); c.626G>A, p.Cys209Tyr (NM_198159.3); c.578G>A, p.Cys193Tyr (NM_198177.3); c.137G>A, p.Cys46Tyr (NM_198178.3); c.575G>A, p.Cys192Tyr (NM_001354607.2); short protein forms C208Y, C209Y, C157Y, C193Y, C102Y, C192Y, C46Y.
Identifiers: ClinVar variation 3873214 (VCV003873214.2).

ClinVar aggregate classification (germline): Uncertain significance. Review status: criteria provided, multiple submitters, no conflicts (2 of 4 stars). 2 submissions from 2 submitters: Uncertain significance (2). Last evaluated 2025-11-23.

Conditions:
Tietz syndrome (TADS). Also called: HYPOPIGMENTATION/DEAFNESS OF TIETZ; TIETZ ALBINISM-DEAFNESS SYNDROME; ALBINISM-DEAFNESS OF TIETZ. Identifiers: Orphanet 42665, MedGen C0391816, MONDO:0007077, OMIM 103500.
Melanoma, cutaneous malignant, susceptibility to, 8. Also called: MELANOMA AND RENAL CELL CARCINOMA, SUSCEPTIBILITY TO; Cutaneous malignant melanoma 8. Identifiers: Orphanet 293822, MedGen C3152204, MONDO:0013759, OMIM 614456.
Waardenburg syndrome type 2A (WS2A). Also called: WAARDENBURG SYNDROME WITHOUT DYSTOPIA CANTHORUM. Identifiers: Orphanet 3440, MedGen C1860339, MONDO:0008671, OMIM 193510.
Hereditary cancer-predisposing syndrome. Also called: Tumor predisposition; Neoplastic Syndromes, Hereditary; Hereditary Cancer Syndrome; Hereditary neoplastic syndrome. Identifiers: Orphanet 140162, MedGen C0027672, MeSH D009386, MONDO:0015356.

Submissions (2):

Labcorp Genetics (formerly Invitae), Labcorp
Classification: Uncertain significance for Melanoma, cutaneous malignant, susceptibility to, 8; Waardenburg syndrome type 2A; Tietz syndrome. Last evaluated: 2025-11-23. Review status: criteria provided, single submitter. Criteria: Invitae Variant Classification Sherloc (09022015). Collection method: clinical testing. Allele origin: germline.
Comment: This sequence change replaces cysteine, which is neutral and slightly polar, with tyrosine, which is neutral and polar, at codon 102 of the MITF protein (p.Cys102Tyr). This variant is not present in population databases (gnomAD no frequency). This variant has not been reported in the literature in individuals affected with MITF-related conditions. ClinVar contains an entry for this variant (Variation ID: 3873214). An algorithm developed to predict the effect of missense changes on protein structure and function (PolyPhen-2) suggests that this variant is likely to be disruptive. In summary, the available evidence is currently insufficient to determine the role of this variant in disease. Therefore, it has been classified as a Variant of Uncertain Significance.

Ambry Genetics
Classification: Uncertain significance for Hereditary cancer-predisposing syndrome. Last evaluated: 2025-01-03. Review status: criteria provided, single submitter. Criteria: Ambry Variant Classification Scheme 2023. Collection method: clinical testing. Allele origin: germline.
Comment: The p.C102Y variant (also known as c.305G>A), located in coding exon 3 of the MITF gene, results from a G to A substitution at nucleotide position 305. The cysteine at codon 102 is replaced by tyrosine, an amino acid with highly dissimilar properties. This amino acid position is conserved. In addition, the in silico prediction for this alteration is inconclusive. Based on the available evidence, the clinical significance of this variant remains unclear.